The following is an entry in ClinVar:

ClinVar aggregate classification (germline): Benign/Likely benign. Review status: criteria provided, multiple submitters, no conflicts (2 of 4 stars). 5 submissions from 5 submitters: Benign (1); Likely benign (3). 1 of the submissions does not count toward it. Last evaluated 2026-01-20.

Conditions:
CABP2-related disorder. Also called: CABP2-related condition.

Allele frequency attached by ClinVar (database versions not stated): ExAC 0.00056; TOPMed 0.00077; gnomAD exomes 0.00149; 1000 Genomes Project 30x 0.00390; 1000 Genomes Project 0.00399.
gnomAD v4.1: 1,076 of 1,547,446 alleles (0.07%); highest among the groups gnomAD compares: East Asian, 2.3%; 15 homozygotes.

Submissions (5):

Labcorp Genetics (formerly Invitae), Labcorp
Classification: Benign. Last evaluated: 2026-01-20. Review status: criteria provided, single submitter. Criteria: Invitae Variant Classification Sherloc (09022015). Collection method: clinical testing. Allele origin: germline.

Blueprint Genetics
Classification: Likely benign. Last evaluated: 2024-09-16. Review status: criteria provided, single submitter. Criteria: ACMG Guidelines, 2015. Collection method: clinical testing. Allele origin: germline.

Laboratory for Molecular Medicine, Mass General Brigham Personalized Medicine
Classification: Likely benign. Last evaluated: 2023-03-16. Review status: criteria provided, single submitter. Criteria: ACMG Guidelines, 2015. Collection method: clinical testing. Allele origin: germline.
Comment: The p.Ala42Thr variant in CABP2 is classified as likely benign because it has been identified in 1.7% (86/5176) of East Asian chromosomes by gnomAD v.3. ACMG/AMP Criteria applied: BS1.

GeneDx
Classification: Likely benign. Last evaluated: 2020-11-11. Review status: criteria provided, single submitter. Criteria: GeneDx Variant Classification Process June 2021. Collection method: clinical testing. Allele origin: germline. Affected: yes.

PreventionGenetics, part of Exact Sciences
Classification: Benign for CABP2-related condition. Last evaluated: 2019-03-25. Review status: no assertion criteria provided. Collection method: clinical testing. Allele origin: germline. Not counted in ClinVar's aggregate classification.
Comment: This variant is classified as benign based on ACMG/AMP sequence variant interpretation guidelines (Richards et al. 2015 PMID: 25741868, with internal and published modifications).

NM_016366.3(CABP2):c.124G>A (p.Ala42Thr)

Gene: CABP2 (calcium binding protein 2; minus strand). Cytogenetic location: 11q13.2.
Variant type: single nucleotide variant.
Coding change: c.124G>A on transcript NM_016366.3 (MANE Select); coding-DNA position 124, G replaced by A.
Protein change: p.Ala42Thr; replaces alanine 42 with threonine.
Molecular consequence: missense variant. On other transcripts: synonymous variant (1).
Genome position (GRCh38, 1-based): chr11:67,522,635, C>T on the plus strand (G>A on the coding strand, the complement: CABP2 is on the minus strand). VCF-style: chr11-67522635-C-T. GRCh37 (hg19) VCF-style: chr11-67290106-C-T.
Other names: c.138G>A, p.Pro46= (NM_001318496.2); short protein forms A42T.
Identifiers: ClinVar variation 1199810 (VCV001199810.15), dbSNP rs75768178, ClinGen allele CA6142587.